The following is an entry in ClinVar:

ClinVar aggregate classification (germline): Uncertain significance. Review status: criteria provided, multiple submitters, no conflicts (2 of 4 stars). 2 submissions from 2 submitters: Uncertain significance (2). Last evaluated 2025-07-15.

Conditions:
Long QT syndrome (LQTS). Identifiers: MedGen C0023976, MeSH D008133, MONDO:0002442. Disease mechanism: loss of function. Inheritance: Various modes of inheritance.
Cardiovascular phenotype. Identifiers: MedGen CN230736.

Allele frequency attached by ClinVar (database versions not stated): gnomAD exomes below 0.00001 and 0.00001.
gnomAD v4.1: 3 of 1,613,842 alleles (0.00019%); highest among the groups gnomAD compares: Admixed American, 0.005%; no homozygotes.

Submissions (2):

Ambry Genetics
Classification: Uncertain significance for Cardiovascular phenotype. Last evaluated: 2025-07-15. Review status: criteria provided, single submitter. Criteria: Ambry Variant Classification Scheme 2023. Collection method: clinical testing. Allele origin: germline.

Labcorp Genetics (formerly Invitae), Labcorp
Classification: Uncertain significance for Long QT syndrome. Last evaluated: 2022-10-24. Review status: criteria provided, single submitter. Criteria: Invitae Variant Classification Sherloc (09022015). Collection method: clinical testing. Allele origin: germline.
Comment: In summary, the available evidence is currently insufficient to determine the role of this variant in disease. Therefore, it has been classified as a Variant of Uncertain Significance. Algorithms developed to predict the effect of missense changes on protein structure and function output the following: SIFT: "Tolerated"; PolyPhen-2: "Benign"; Align-GVGD: "Class C0". The threonine amino acid residue is found in multiple mammalian species, which suggests that this missense change does not adversely affect protein function. ClinVar contains an entry for this variant (Variation ID: 1483784). This variant has not been reported in the literature in individuals affected with AKAP9-related conditions. This variant is present in population databases (no rsID available, gnomAD 0.006%). This sequence change replaces arginine, which is basic and polar, with threonine, which is neutral and polar, at codon 2345 of the AKAP9 protein (p.Arg2345Thr).

NM_005751.5(AKAP9):c.7034G>C (p.Arg2345Thr)

Gene: AKAP9 (A-kinase anchoring protein 9; plus strand). Cytogenetic location: 7q21.2.
Variant type: single nucleotide variant.
Coding change: c.7034G>C on transcript NM_005751.5 (MANE Select); coding-DNA position 7034, G replaced by C.
Protein change: p.Arg2345Thr; replaces arginine 2345 with threonine.
Molecular consequence: missense variant.
Genome position (GRCh38, 1-based): chr7:92,079,167, G>C. VCF-style: chr7-92079167-G-C. GRCh37 (hg19) VCF-style: chr7-91708481-G-C.
Other names: c.7034G>C (NM_005751.4); c.1679G>C, p.Arg560Thr (NM_001379277.1); c.7010G>C, p.Arg2337Thr (NM_147185.3); short protein forms R2337T, R560T, R2345T.
Identifiers: ClinVar variation 1483784 (VCV001483784.10), dbSNP rs1563101732, ClinGen allele CA368134818.